The following is an entry in ClinVar:

ClinVar aggregate classification (germline): Uncertain significance (1 of 4 stars; one submission).

Conditions:
Neuronopathy, distal hereditary motor, autosomal recessive 4. Also called: NEUROPATHY, DISTAL HEREDITARY MOTOR, AUTOSOMAL RECESSIVE 4; Autosomal recessive lower motor neuron disease with childhood onset. Identifiers: Orphanet 206580, MedGen C1970211, MONDO:0012608, OMIM 611067.
Charcot-Marie-Tooth disease recessive intermediate C. Also called: CHARCOT-MARIE-TOOTH NEUROPATHY, RECESSIVE INTERMEDIATE C. Identifiers: Orphanet 369867, MedGen C3809309, MONDO:0014154, OMIM 615376.

Submission:

Labcorp Genetics (formerly Invitae), Labcorp
Classification: Uncertain significance for Neuronopathy, distal hereditary motor, autosomal recessive 4; Charcot-Marie-Tooth disease recessive intermediate C. Last evaluated: 2022-04-18. Review status: criteria provided, single submitter. Criteria: Invitae Variant Classification Sherloc (09022015). Collection method: clinical testing. Allele origin: germline.
Comment: In summary, the available evidence is currently insufficient to determine the role of this variant in disease. Therefore, it has been classified as a Variant of Uncertain Significance. Experimental studies and prediction algorithms are not available or were not evaluated, and the functional significance of this variant is currently unknown. This variant has not been reported in the literature in individuals affected with PLEKHG5-related conditions. Information on the frequency of this variant in the gnomAD database is not available, as this variant may be reported differently in the database. This sequence change replaces glycine, which is neutral and non-polar, with serine, which is neutral and polar, at codon 668 of the PLEKHG5 protein (p.Gly668Ser).

NM_020631.6(PLEKHG5):c.2001_2002inv (p.Gly668Ser)

Gene: PLEKHG5 (pleckstrin homology and RhoGEF domain containing G5; minus strand). Cytogenetic location: 1p36.31.
Variant type: Inversion.
Coding change: c.2001_2002inv on transcript NM_020631.6 (MANE Select).
Protein change: p.Gly668Ser; replaces glycine 668 with serine.
Molecular consequence: missense variant.
Genome position: GRCh38 VCF-style: chr1-6469382-CA-TG. GRCh37 (hg19) VCF-style: chr1-6529442-CA-TG.
Other names: c.2112_2113inv, p.Gly705Ser (NM_001042663.3, NM_001265592.2); c.2001_2002invTG, p.Gly668Ser (NM_001042664.2, NM_001042665.2, NM_001265594.3); c.2208_2209invTG, p.Gly737Ser (NM_001265593.2); c.2001_2002inv, p.Gly668Ser (NM_198681.4); short protein forms G668S, G705S, G737S.
Identifiers: ClinVar variation 1936400 (VCV001936400.5), ClinGen allele CA2580062548.